The following is an entry in ClinVar:

ClinVar aggregate classification (germline): Conflicting classifications of pathogenicity. Review status: criteria provided, conflicting classifications (1 of 4 stars). 3 submissions from 3 submitters: Uncertain significance (2); Likely benign (1). Last evaluated 2024-09-25.

Conditions:
Hereditary cancer-predisposing syndrome. Also called: Neoplastic Syndromes, Hereditary; Tumor predisposition; Hereditary Cancer Syndrome; Hereditary neoplastic syndrome. Identifiers: Orphanet 140162, MedGen C0027672, MeSH D009386, MONDO:0015356.
Hereditary breast ovarian cancer syndrome. Also called: Hereditary breast and ovarian cancer syndrome; Hereditary breast and ovarian cancer; Breast and ovarian cancer; Hereditary breast and ovarian cancer syndrome (HBOC); Hereditary breast and/or ovarian cancer syndrome; BRCA1- and BRCA2-Associated Hereditary Breast and Ovarian Cancer. Identifiers: Orphanet 145, MedGen C0677776, MeSH D061325, MONDO:0003582. Disease mechanism: loss of function.

Allele frequency attached by ClinVar (database versions not stated): gnomAD exomes below 0.00001.
gnomAD v4.1: 1 of 1,590,274 alleles (0.000063%); highest among the groups gnomAD compares: East Asian, 0.0022%; no homozygotes.

Submissions (3):

Labcorp Genetics (formerly Invitae), Labcorp
Classification: Uncertain significance for Hereditary breast ovarian cancer syndrome. Last evaluated: 2024-09-25. Review status: criteria provided, single submitter. Criteria: Invitae Variant Classification Sherloc (09022015). Collection method: clinical testing. Allele origin: germline.
Comment: This sequence change replaces proline, which is neutral and non-polar, with histidine, which is basic and polar, at codon 1088 of the BRCA2 protein (p.Pro1088His). This variant is not present in population databases (gnomAD no frequency). This variant has not been reported in the literature in individuals affected with BRCA2-related conditions. ClinVar contains an entry for this variant (Variation ID: 1729558). Invitae Evidence Modeling of protein sequence and biophysical properties (such as structural, functional, and spatial information, amino acid conservation, physicochemical variation, residue mobility, and thermodynamic stability) indicates that this missense variant is not expected to disrupt BRCA2 protein function with a negative predictive value of 95%. In summary, the available evidence is currently insufficient to determine the role of this variant in disease. Therefore, it has been classified as a Variant of Uncertain Significance.

University of Washington Department of Laboratory Medicine, University of Washington
Classification: Likely benign for Hereditary cancer-predisposing syndrome. Last evaluated: 2023-03-23. Review status: criteria provided, single submitter. Criteria: Dines et al. (Genet Med. 2020). Collection method: curation. Allele origin: germline.
Comment: Missense variant in a coldspot region where missense variants are very unlikely to be pathogenic (PMID:31911673).

BRCA2 exon 11 coldspot. Reclassification based on statistical prior probability.

Ambry Genetics
Classification: Uncertain significance for Hereditary cancer-predisposing syndrome. Last evaluated: 2022-05-06. Review status: criteria provided, single submitter. Criteria: Ambry Variant Classification Scheme 2023. Collection method: clinical testing. Allele origin: germline.
Comment: The p.P1088H variant (also known as c.3263C>A), located in coding exon 10 of the BRCA2 gene, results from a C to A substitution at nucleotide position 3263. The proline at codon 1088 is replaced by histidine, an amino acid with similar properties. This amino acid position is not well conserved in available vertebrate species. In addition, this alteration is predicted to be tolerated by in silico analysis. Since supporting evidence is limited at this time, the clinical significance of this alteration remains unclear.

NM_000059.4(BRCA2):c.3263C>A (p.Pro1088His)

Gene: BRCA2 (BRCA2 DNA repair associated; plus strand). Cytogenetic location: 13q13.1.
Variant type: single nucleotide variant.
Coding change: c.3263C>A on transcript NM_000059.4 (MANE Select); coding-DNA position 3263, C replaced by A.
Protein change: p.Pro1088His; replaces proline 1088 with histidine.
Molecular consequence: missense variant.
Genome position (GRCh38, 1-based): chr13:32,337,618, C>A. VCF-style: chr13-32337618-C-A. GRCh37 (hg19) VCF-style: chr13-32911755-C-A.
Other names: c.3263C>A, p.Pro1088His (NM_001406719.1, NM_001406720.1); short protein forms P1088H.
Identifiers: ClinVar variation 1729558 (VCV001729558.7), dbSNP rs876660365, ClinGen allele CA387776019.